The following is an entry in ClinVar:

NM_017934.7(PHIP):c.1706C>G (p.Ala569Gly)

Gene: PHIP (PHIP subunit of CUL4-Ring ligase complex; minus strand). Cytogenetic location: 6q14.1.
Variant type: single nucleotide variant.
Coding change: c.1706C>G on transcript NM_017934.7 (MANE Select); coding-DNA position 1706, C replaced by G.
Protein change: p.Ala569Gly; replaces alanine 569 with glycine.
Molecular consequence: missense variant.
Genome position (GRCh38, 1-based): chr6:79,002,072, G>C on the plus strand (C>G on the coding strand, the complement: PHIP is on the minus strand). VCF-style: chr6-79002072-G-C. GRCh37 (hg19) VCF-style: chr6-79711789-G-C.
Other names: c.1706C>G (NM_017934.5); short protein forms A569G.
Identifiers: ClinVar variation 3355896 (VCV003355896.2).

ClinVar aggregate classification (germline): Uncertain significance. Review status: criteria provided, single submitter (1 of 4 stars). 2 submissions from 2 submitters: Uncertain significance (1). 1 of the submissions does not count toward it. Last evaluated 2026-07-13.

Conditions:
Inborn genetic diseases. Identifiers: MedGen C0950123, MeSH D030342.
PHIP-related disorder. Also called: PHIP-related condition; PHIP-related disorders.

gnomAD v4.1: 1 of 1,613,054 alleles (0.000062%); highest among the groups gnomAD compares: African/African-American, 0.0013%; no homozygotes.

Submissions (2):

Ambry Genetics
Classification: Uncertain significance for Inborn genetic diseases. Last evaluated: 2026-07-13. Review status: criteria provided, single submitter. Criteria: Ambry Variant Classification Scheme 2023. Collection method: clinical testing. Allele origin: germline.
Comment: The c.1706C>G (p.A569G) alteration is located in exon 17 (coding exon 17) of the PHIP gene. This alteration results from a C to G substitution at nucleotide position 1706, causing the alanine (A) at amino acid position 569 to be replaced by a glycine (G). Based on data from gnomAD, the G allele has an overall frequency of 0.003% (1/31360) total alleles studied. The highest observed frequency was 0.012% (1/8712) of African alleles. Based on insufficient or conflicting evidence, the clinical significance of this alteration remains unclear.

PreventionGenetics, part of Exact Sciences
Classification: Uncertain significance for PHIP-related condition. Last evaluated: 2024-04-10. Review status: no assertion criteria provided. Collection method: clinical testing. Allele origin: germline. Not counted in ClinVar's aggregate classification.
Comment: The PHIP c.1706C>G variant is predicted to result in the amino acid substitution p.Ala569Gly. To our knowledge, this variant has not been reported in the literature. This variant is reported in 0.011% of alleles in individuals of African descent in gnomAD. At this time, the clinical significance of this variant is uncertain due to the absence of conclusive functional and genetic evidence.